The following is an entry in ClinVar:

NM_001040151.2(SCN3B):c.92C>T (p.Ser31Leu)

Gene: SCN3B (sodium voltage-gated channel beta subunit 3; minus strand). Cytogenetic location: 11q24.1.
Variant type: single nucleotide variant.
Coding change: c.92C>T on transcript NM_001040151.2 (MANE Select); coding-DNA position 92, C replaced by T.
Protein change: p.Ser31Leu; replaces serine 31 with leucine.
Molecular consequence: missense variant.
Genome position (GRCh38, 1-based): chr11:123,645,714, G>A on the plus strand (C>T on the coding strand, the complement: SCN3B is on the minus strand). VCF-style: chr11-123645714-G-A. GRCh37 (hg19) VCF-style: chr11-123516422-G-A.
Other names: c.92C>T, p.Ser31Leu (NM_018400.4); short protein forms S31L.
Identifiers: ClinVar variation 2067333 (VCV002067333.5), dbSNP rs1333115742, ClinGen allele CA383073209.

ClinVar aggregate classification (germline): Uncertain significance. Review status: criteria provided, multiple submitters, no conflicts (2 of 4 stars). 2 submissions from 2 submitters: Uncertain significance (2). Last evaluated 2024-12-08.

Conditions:
Cardiovascular phenotype. Identifiers: MedGen CN230736.
Brugada syndrome 7 (BRGDA7). Identifiers: Orphanet 130, MedGen C2751088, MONDO:0013146, OMIM 613120.

gnomAD v4.1: 4 of 1,614,130 alleles (0.00025%); highest among the groups gnomAD compares: South Asian, 0.0011%; no homozygotes.

Submissions (2):

Ambry Genetics
Classification: Uncertain significance for Cardiovascular phenotype. Last evaluated: 2024-12-08. Review status: criteria provided, single submitter. Criteria: Ambry Variant Classification Scheme 2023. Collection method: clinical testing. Allele origin: germline.
Comment: The p.S31L variant (also known as c.92C>T), located in coding exon 2 of the SCN3B gene, results from a C to T substitution at nucleotide position 92. The serine at codon 31 is replaced by leucine, an amino acid with dissimilar properties. This amino acid position is conserved. In addition, this alteration is predicted to be deleterious by in silico analysis. Based on the available evidence, the clinical significance of this variant remains unclear.

Labcorp Genetics (formerly Invitae), Labcorp
Classification: Uncertain significance for Brugada syndrome 7. Last evaluated: 2024-05-06. Review status: criteria provided, single submitter. Criteria: Invitae Variant Classification Sherloc (09022015). Collection method: clinical testing. Allele origin: germline.
Comment: This sequence change replaces serine, which is neutral and polar, with leucine, which is neutral and non-polar, at codon 31 of the SCN3B protein (p.Ser31Leu). This variant is present in population databases (no rsID available, gnomAD 0.006%). This variant has not been reported in the literature in individuals affected with SCN3B-related conditions. ClinVar contains an entry for this variant (Variation ID: 2067333). An algorithm developed to predict the effect of missense changes on protein structure and function (PolyPhen-2) suggests that this variant is likely to be disruptive. In summary, the available evidence is currently insufficient to determine the role of this variant in disease. Therefore, it has been classified as a Variant of Uncertain Significance.